The following is an entry in ClinVar:

NM_020433.5(JPH2):c.1123C>T (p.Arg375Cys)

Gene: JPH2 (junctophilin 2; minus strand). Cytogenetic location: 20q13.12.
Variant type: single nucleotide variant.
Coding change: c.1123C>T on transcript NM_020433.5 (MANE Select); coding-DNA position 1123, C replaced by T.
Protein change: p.Arg375Cys; replaces arginine 375 with cysteine.
Molecular consequence: missense variant.
Genome position (GRCh38, 1-based): chr20:44,159,664, G>A on the plus strand (C>T on the coding strand, the complement: JPH2 is on the minus strand). VCF-style: chr20-44159664-G-A. GRCh37 (hg19) VCF-style: chr20-42788304-G-A.
Other names: short protein forms R375C.
Identifiers: ClinVar variation 947550 (VCV000947550.9), dbSNP rs1199319789, ClinGen allele CA409092825.

ClinVar aggregate classification (germline): Uncertain significance (1 of 4 stars; one submission).

Conditions:
Hypertrophic cardiomyopathy. Also called: HYPERTROPHIC MYOCARDIOPATHY. Identifiers: Orphanet 217569, MedGen C0007194, MeSH D002312, MONDO:0005045, HP:0001639.

gnomAD v4.1: 2 of 1,610,600 alleles (0.00012%); highest among the groups gnomAD compares: East Asian, 0.0022%; no homozygotes.

Submission:

Labcorp Genetics (formerly Invitae), Labcorp
Classification: Uncertain significance for Hypertrophic cardiomyopathy. Last evaluated: 2019-07-12. Review status: criteria provided, single submitter. Criteria: Invitae Variant Classification Sherloc (09022015). Collection method: clinical testing. Allele origin: germline.
Comment: This sequence change replaces arginine with cysteine at codon 375 of the JPH2 protein (p.Arg375Cys). The arginine residue is highly conserved and there is a large physicochemical difference between arginine and cysteine. This variant is not present in population databases (ExAC no frequency). This variant has not been reported in the literature in individuals with JPH2-related conditions. Algorithms developed to predict the effect of missense changes on protein structure and function (SIFT, PolyPhen-2, Align-GVGD) all suggest that this variant is likely to be disruptive, but these predictions have not been confirmed by published functional studies and their clinical significance is uncertain. Algorithms developed to predict the effect of sequence changes on RNA splicing suggest that this variant may create or strengthen a splice site, but this prediction has not been confirmed by published transcriptional studies. In summary, the available evidence is currently insufficient to determine the role of this variant in disease. Therefore, it has been classified as a Variant of Uncertain Significance.